The following is an entry in ClinVar:

NM_018723.4(RBFOX1):c.597A>C (p.Lys199Asn)

Gene: RBFOX1 (RNA binding fox-1 homolog 1; plus strand). Cytogenetic location: 16p13.3.
Variant type: single nucleotide variant.
Coding change: c.597A>C on transcript NM_018723.4 (MANE Select); coding-DNA position 597, A replaced by C.
Protein change: p.Lys199Asn; replaces lysine 199 with asparagine.
Molecular consequence: missense variant.
Genome position (GRCh38, 1-based): chr16:7,597,406, A>C. VCF-style: chr16-7597406-A-C. GRCh37 (hg19) VCF-style: chr16-7647408-A-C.
Other names: c.597A>C, p.Lys199Asn (NM_001142333.2, NM_001142334.2, NM_001364800.2); c.726A>C, p.Lys242Asn (NM_001308117.1); c.657A>C, p.Lys219Asn (NM_145891.3, NM_145892.3, NM_145893.3); short protein forms K219N, K199N, K242N.
Identifiers: ClinVar variation 1376067 (VCV001376067.6), dbSNP rs2152958333, ClinGen allele CA394683086.

ClinVar aggregate classification (germline): Uncertain significance (1 of 4 stars; one submission).

Conditions:
Idiopathic generalized epilepsy. Also called: EIG; Generalised epilepsy. Identifiers: MedGen C0270850, MONDO:0005579, OMIM 600669.

Submission:

Labcorp Genetics (formerly Invitae), Labcorp
Classification: Uncertain significance for Idiopathic generalized epilepsy. Last evaluated: 2021-08-18. Review status: criteria provided, single submitter. Criteria: Invitae Variant Classification Sherloc (09022015). Collection method: clinical testing. Allele origin: germline.
Comment: In summary, the available evidence is currently insufficient to determine the role of this variant in disease. Therefore, it has been classified as a Variant of Uncertain Significance. This sequence change replaces lysine with asparagine at codon 219 of the RBFOX1 protein (p.Lys219Asn). The lysine residue is highly conserved and there is a moderate physicochemical difference between lysine and asparagine. This variant is not present in population databases (ExAC no frequency). This variant has not been reported in the literature in individuals affected with RBFOX1-related conditions. Algorithms developed to predict the effect of missense changes on protein structure and function (SIFT, PolyPhen-2, Align-GVGD) all suggest that this variant is likely to be disruptive.